The following is an entry in ClinVar:

ClinVar aggregate classification (germline): Pathogenic. Review status: criteria provided, multiple submitters, no conflicts (2 of 4 stars). 3 submissions from 3 submitters: Pathogenic (2). 1 of the submissions does not count toward it. Last evaluated 2023-01-20.

Conditions:
Childhood hypophosphatasia. Identifiers: Orphanet 247667, Orphanet 436, MedGen C0220743, MONDO:1010168, OMIM 241510, MONDO:0009428.

Submissions (3):

Labcorp Genetics (formerly Invitae), Labcorp
Classification: Pathogenic. Last evaluated: 2023-01-20. Review status: criteria provided, single submitter. Criteria: Invitae Variant Classification Sherloc (09022015). Collection method: clinical testing. Allele origin: germline.
Comment: For these reasons, this variant has been classified as Pathogenic. Algorithms developed to predict the effect of sequence changes on RNA splicing suggest that this variant may disrupt the consensus splice site. ClinVar contains an entry for this variant (Variation ID: 420129). This premature translational stop signal has been observed in individuals with hypophosphatemia (PMID: 19219621; Invitae). This variant is not present in population databases (gnomAD no frequency). This sequence change creates a premature translational stop signal (p.Asn589Valfs*29) in the PHEX gene. It is expected to result in an absent or disrupted protein product. Loss-of-function variants in PHEX are known to be pathogenic (PMID: 9097956, 9106524, 19219621).

GeneDx
Classification: Pathogenic. Last evaluated: 2017-07-06. Review status: criteria provided, single submitter. Criteria: GeneDx Variant Classification (06012015). Collection method: clinical testing. Allele origin: germline. Affected: yes.
Comment: The c.1765_1768delAATG pathogenic variant in the PHEX gene has been reported previously in association with X-linked hypophosphatemic rickets (Gaucher et al., 2009). The deletion causes a frameshift starting with codon Asparagine 589, changes this amino acid to a Valine residue and creates a premature Stop codon at position 29 of the new reading frame, denoted p.Asn589ValfsX29. The variant was not observed in approximately 6,500 individuals of European and African American ancestry in the NHLBI Exome Sequencing Project, indicating it is not a common benign variant in these populations. This pathogenic variant is predicted to cause loss of normal protein function either through protein truncation or nonsense-mediated mRNA decay.

Department of Pediatric Endocrinology, Shriners Hospitals for Children - Mexico City
No classification provided. Condition: Childhood hypophosphatasia. Review status: no classification provided. Collection method: phenotyping only. Allele origin: germline. Inheritance: X-linked dominant inheritance. Affected: yes. Observed: 1 variant allele, 1 hemizygote. Not counted in ClinVar's aggregate classification.

Literature cited by the submitters: PubMed 19219621 (cited by Labcorp Genetics (formerly Invitae), Labcorp); PubMed 9097956 (cited by Labcorp Genetics (formerly Invitae), Labcorp); PubMed 9106524 (cited by Labcorp Genetics (formerly Invitae), Labcorp).

NM_000444.6(PHEX):c.1765_1768del (p.Asn589fs)

Genes: PHEX (phosphate regulating endopeptidase X-linked; plus strand), PTCHD1-AS (PTCHD1 and PHEX antisense RNA; minus strand). Cytogenetic location: Xp22.11.
Variant type: Deletion.
Coding change: c.1765_1768del on transcript NM_000444.6 (MANE Select); coding-DNA positions 1765 to 1768, 4 bases deleted (AATG; older notation c.1765_1768delAATG).
Protein change: p.Asn589fs; shifts the reading frame from asparagine 589.
Molecular consequence: frameshift variant.
Genome position (GRCh38, 1-based): chrX:22,219,100-22,219,103, AATG deleted. VCF-style (leftmost placement, unchanged base first): chrX-22219099-TAATG-T. GRCh37 (hg19) VCF-style: chrX-22237216-TAATG-T.
Other names: c.1765_1768del, p.Asn589fs (NM_001282754.2); short protein forms N589fs.
Identifiers: ClinVar variation 420129 (VCV000420129.11), dbSNP rs1064794305, ClinGen allele CA16621333.